The following is an entry in ClinVar:

NM_001369.3(DNAH5):c.2137C>T (p.Gln713Ter)

Genes: DNAH5 (dynein axonemal heavy chain 5; minus strand), DNAH5-AS1 (DNAH5 antisense RNA 1; plus strand). Cytogenetic location: 5p15.2.
Variant type: single nucleotide variant.
Coding change: c.2137C>T on transcript NM_001369.3 (MANE Select); coding-DNA position 2137, C replaced by T.
Protein change: p.Gln713Ter; replaces glutamine 713 with a stop codon.
Molecular consequence: nonsense.
Genome position (GRCh38, 1-based): chr5:13,900,328, G>A on the plus strand (C>T on the coding strand, the complement: DNAH5 is on the minus strand). VCF-style: chr5-13900328-G-A. GRCh37 (hg19) VCF-style: chr5-13900437-G-A.
Other names: short protein forms Q713*.
Identifiers: ClinVar variation 2165549 (VCV002165549.5), dbSNP rs2547087810, ClinGen allele CA359203646.

ClinVar aggregate classification (germline): Pathogenic/Likely pathogenic. Review status: criteria provided, multiple submitters, no conflicts (2 of 4 stars). 2 submissions from 2 submitters: Pathogenic (1); Likely pathogenic (1). Last evaluated 2024-04-06.

Conditions:
Primary ciliary dyskinesia 3. Identifiers: Orphanet 244, MedGen C1837618, MONDO:0012085, OMIM 608644.
Primary ciliary dyskinesia. Also called: Ciliary dyskinesia. Identifiers: Orphanet 244, MedGen C0008780, MONDO:0016575, HP:0012265.

Submissions (2):

Fulgent Genetics
Classification: Likely pathogenic for Primary ciliary dyskinesia 3. Last evaluated: 2024-04-06. Review status: criteria provided, single submitter. Criteria: ACMG Guidelines, 2015. Collection method: clinical testing. Allele origin: germline.

Labcorp Genetics (formerly Invitae), Labcorp
Classification: Pathogenic for Primary ciliary dyskinesia. Last evaluated: 2023-08-10. Review status: criteria provided, single submitter. Criteria: Invitae Variant Classification Sherloc (09022015). Collection method: clinical testing. Allele origin: germline.
Comment: This sequence change creates a premature translational stop signal (p.Gln713*) in the DNAH5 gene. It is expected to result in an absent or disrupted protein product. Loss-of-function variants in DNAH5 are known to be pathogenic (PMID: 11788826, 16627867). This variant is not present in population databases (gnomAD no frequency). This variant has not been reported in the literature in individuals affected with DNAH5-related conditions. ClinVar contains an entry for this variant (Variation ID: 2165549). Algorithms developed to predict the effect of sequence changes on RNA splicing suggest that this variant may disrupt the consensus splice site. For these reasons, this variant has been classified as Pathogenic.

Literature cited by the submitters: PubMed 11788826 (cited by Labcorp Genetics (formerly Invitae), Labcorp); PubMed 16627867 (cited by Labcorp Genetics (formerly Invitae), Labcorp).